The following is an entry in ClinVar:

ClinVar aggregate classification (germline): Uncertain significance (1 of 4 stars; one submission).

Conditions:
Immunodeficiency 23 (IMD23). Also called: IMMUNODEFICIENCY WITH HYPER IgE AND COGNITIVE IMPAIRMENT; IMMUNODEFICIENCY-VASCULITIS-MYOCLONUS SYNDROME. Identifiers: Orphanet 443811, MedGen C4014371, MONDO:0014353, OMIM 615816.

Submission:

Labcorp Genetics (formerly Invitae), Labcorp
Classification: Uncertain significance for Immunodeficiency 23. Last evaluated: 2023-06-05. Review status: criteria provided, single submitter. Criteria: Invitae Variant Classification Sherloc (09022015). Collection method: clinical testing. Allele origin: germline.
Comment: An algorithm developed to predict the effect of missense changes on protein structure and function (PolyPhen-2) suggests that this variant is likely to be disruptive. In summary, the available evidence is currently insufficient to determine the role of this variant in disease. Therefore, it has been classified as a Variant of Uncertain Significance. ClinVar contains an entry for this variant (Variation ID: 2105437). This variant has not been reported in the literature in individuals affected with PGM3-related conditions. This variant is not present in population databases (gnomAD no frequency). This sequence change replaces asparagine, which is neutral and polar, with threonine, which is neutral and polar, at codon 94 of the PGM3 protein (p.Asn94Thr).

NM_015599.3(PGM3):c.197A>C (p.Asn66Thr)

Gene: PGM3 (phosphoglucomutase 3; minus strand). Cytogenetic location: 6q14.1.
Variant type: single nucleotide variant.
Coding change: c.197A>C on transcript NM_015599.3 (MANE Select); coding-DNA position 197, A replaced by C.
Protein change: p.Asn66Thr; replaces asparagine 66 with threonine.
Molecular consequence: missense variant. On other transcripts: non-coding transcript variant (1), intron variant (1).
Genome position (GRCh38, 1-based): chr6:83,190,816, T>G on the plus strand (A>C on the coding strand, the complement: PGM3 is on the minus strand). VCF-style: chr6-83190816-T-G. GRCh37 (hg19) VCF-style: chr6-83900535-T-G.
Other names: c.281A>C, p.Asn94Thr (NM_001199917.2, NM_001367287.1); c.197A>C, p.Asn66Thr (NM_001199919.2, NM_001367286.1); c.-39-2018A>C (NM_001199918.2); short protein forms N94T, N66T.
Identifiers: ClinVar variation 2105437 (VCV002105437.4), dbSNP rs2538233148, ClinGen allele CA364853404.